The following is an entry in ClinVar:

ClinVar aggregate classification (germline): Benign. Review status: criteria provided, multiple submitters, no conflicts (2 of 4 stars). 2 submissions from 2 submitters: Benign (2). Last evaluated 2018-06-16.

Allele frequency attached by ClinVar (database versions not stated): gnomAD exomes 0.00718; ESP Exome Variant Server 0.04245; gnomAD 0.06369 and 0.06723; TOPMed 0.07159; 1000 Genomes Project 0.08387; 1000 Genomes Project 30x 0.08745.
gnomAD v4.1: 19,612 of 1,493,570 alleles (1.3%); highest among the groups gnomAD compares: African/African-American, 18%; 1,389 homozygotes.

Submissions (2):

GeneDx
Classification: Benign. Last evaluated: 2018-06-16. Review status: criteria provided, single submitter. Criteria: GeneDx Variant Classification (06012015). Collection method: clinical testing. Allele origin: germline. Affected: yes.
Comment: This variant is considered likely benign or benign based on one or more of the following criteria: it is a conservative change, it occurs at a poorly conserved position in the protein, it is predicted to be benign by multiple in silico algorithms, and/or has population frequency not consistent with disease.

Breakthrough Genomics
Classification: Benign. Review status: criteria provided, single submitter. Criteria: ACMG Guidelines, 2015. Collection method: not provided. Allele origin: germline. Inheritance: Autosomal recessive inheritance. Affected: yes.

NM_020631.6(PLEKHG5):c.591+52G>A

Gene: PLEKHG5 (pleckstrin homology and RhoGEF domain containing G5; minus strand). Cytogenetic location: 1p36.31.
Variant type: single nucleotide variant.
Coding change: c.591+52G>A on transcript NM_020631.6 (MANE Select); 52 bases into the intron after coding-DNA position 591, G replaced by A.
Molecular consequence: intron variant.
Genome position (GRCh38, 1-based): chr1:6,473,961, C>T on the plus strand (G>A on the coding strand, the complement: PLEKHG5 is on the minus strand). VCF-style: chr1-6473961-C-T. GRCh37 (hg19) VCF-style: chr1-6534021-C-T.
Other names: c.591+52G>A (NM_198681.4, NM_001265594.3, NM_001042664.2 and 1 more transcripts); c.702+52G>A (NM_001042663.3, NM_001265592.2); c.798+52G>A (NM_001265593.2).
Identifiers: ClinVar variation 675700 (VCV000675700.2), dbSNP rs58549010, ClinGen allele CA17242937.
Genomic context (GRCh38, chr1:6,473,961, plus strand): 5'-AACCCCAAGATGGGGCAGTGAGAGACCCAGGGTGACTGCCTCTGAGGAGGGGCTGTGGGC[C>T]CAGCCTGGGCCCCTTCCCACCCCCTCCCCTGACACACCCCCTCCTCCTCACCAAGATGTC-3'